The following is an entry in ClinVar:

NM_031485.4(GRWD1):c.593G>A (p.Arg198Gln)

Gene: GRWD1 (glutamate rich WD repeat containing 1; plus strand). Cytogenetic location: 19q13.33.
Variant type: single nucleotide variant.
Coding change: c.593G>A on transcript NM_031485.4 (MANE Select); coding-DNA position 593, G replaced by A.
Protein change: p.Arg198Gln; replaces arginine 198 with glutamine.
Molecular consequence: missense variant.
Genome position (GRCh38, 1-based): chr19:48,450,437, G>A. VCF-style: chr19-48450437-G-A. GRCh37 (hg19) VCF-style: chr19-48953694-G-A.
Other names: short protein forms R198Q.
Identifiers: ClinVar variation 161778 (VCV000161778.3), dbSNP rs147327994, ClinGen allele CA174767.

ClinVar aggregate classification (germline): Uncertain significance. Review status: criteria provided, single submitter (1 of 4 stars). 2 submissions from 2 submitters: Uncertain significance (1). 1 of the submissions does not count toward it. Last evaluated 2023-12-20.

Conditions:
Prostate cancer. Also called: Malignant tumor of prostate. Identifiers: Orphanet 1331, MedGen C0376358, MONDO:0008315, HP:0012125.

Allele frequency attached by ClinVar (database versions not stated): 1000 Genomes Project 30x 0.00031; 1000 Genomes Project 0.00040; gnomAD exomes 0.00012 and 0.00017; TOPMed 0.00011; ExAC 0.00025; ESP Exome Variant Server 0.00046; gnomAD 0.00022.
gnomAD v4.1: 197 of 1,614,078 alleles (0.012%); highest among the groups gnomAD compares: South Asian, 0.035%; no homozygotes.

Submissions (2):

Ambry Genetics
Classification: Uncertain significance. Last evaluated: 2023-12-20. Review status: criteria provided, single submitter. Criteria: Ambry Variant Classification Scheme 2023. Collection method: clinical testing. Allele origin: germline.

Science for Life laboratory,  Karolinska Institutet
Classification: Uncertain significance for Malignant tumor of prostate. Review status: no assertion criteria provided. Collection method: not provided. Allele origin: somatic. Not counted in ClinVar's aggregate classification.
Comment: TumorID:SWE-13
ClinVar note: Converted during submission from Unknown to Uncertain significance.